The following is an entry in ClinVar:

ClinVar aggregate classification (germline): Uncertain significance (1 of 4 stars; one submission).

Submission:

Labcorp Genetics (formerly Invitae), Labcorp
Classification: Uncertain significance. Last evaluated: 2022-08-15. Review status: criteria provided, single submitter. Criteria: Invitae Variant Classification Sherloc (09022015). Collection method: clinical testing. Allele origin: germline.
Comment: This sequence change falls in intron 24 of the TUBGCP6 gene. It does not directly change the encoded amino acid sequence of the TUBGCP6 protein. It affects a nucleotide within the consensus splice site. In summary, the available evidence is currently insufficient to determine the role of this variant in disease. Therefore, it has been classified as a Variant of Uncertain Significance. Variants that disrupt the consensus splice site are a relatively common cause of aberrant splicing (PMID: 17576681, 9536098). Algorithms developed to predict the effect of sequence changes on RNA splicing suggest that this variant may disrupt the consensus splice site. ClinVar contains an entry for this variant (Variation ID: 1385961). This variant has not been reported in the literature in individuals affected with TUBGCP6-related conditions. This variant is not present in population databases (gnomAD no frequency).

Literature cited by the submitters: PubMed 17576681; PubMed 9536098.

NM_020461.4(TUBGCP6):c.5369-3C>G

Gene: TUBGCP6 (tubulin gamma complex component 6; minus strand). Cytogenetic location: 22q13.33.
Variant type: single nucleotide variant.
Coding change: c.5369-3C>G on transcript NM_020461.4 (MANE Select); 3 bases into the intron before coding-DNA position 5369, C replaced by G.
Molecular consequence: intron variant.
Genome position (GRCh38, 1-based): chr22:50,217,830, G>C on the plus strand (C>G on the coding strand, the complement: TUBGCP6 is on the minus strand). VCF-style: chr22-50217830-G-C. GRCh37 (hg19) VCF-style: chr22-50656259-G-C.
Identifiers: ClinVar variation 1385961 (VCV001385961.6), dbSNP rs2147170758, ClinGen allele CA2573158233.
Genomic context (GRCh38, chr22:50,217,830, plus strand): 5'-CGCAGCAGAAAGTCCTCCAGGTGGGGCTGGTAGCCGCGGTTCACCAGCTTGGTCACCACT[G>C]GGGACCAGCGAGCAGCTCAGGCTTTTGCCCACAGTGTGAGCCCCGCCCTGGCCCCCCCGC-3'